The following is an entry in ClinVar:

NM_001429.4(EP300):c.2127A>G (p.Gln709=)

Gene: EP300 (E1A binding protein p300; plus strand). Cytogenetic location: 22q13.2.
Variant type: single nucleotide variant.
Coding change: c.2127A>G on transcript NM_001429.4 (MANE Select); coding-DNA position 2127, A replaced by G.
Protein change: p.Gln709=; no amino-acid change (glutamine 709 retained).
Molecular consequence: synonymous variant. On other transcripts: intron variant (1).
Genome position (GRCh38, 1-based): chr22:41,146,812, A>G. VCF-style: chr22-41146812-A-G. GRCh37 (hg19) VCF-style: chr22-41542816-A-G.
Other names: c.2054-1025A>G (NM_001362843.2).
Identifiers: ClinVar variation 3353473 (VCV003353473.1).

ClinVar aggregate classification (germline): Likely benign (0 of 4 stars; one submission).

Conditions:
EP300-related disorder. Also called: EP300-related disorders; EP300-related condition.

gnomAD v4.1: 3 of 1,613,870 alleles (0.00019%); highest among the groups gnomAD compares: Admixed American, 0.0017%; no homozygotes.

Submission:

PreventionGenetics, part of Exact Sciences
Classification: Likely benign for EP300-related condition. Last evaluated: 2022-08-16. Review status: no assertion criteria provided. Collection method: clinical testing. Allele origin: germline.
Comment: This variant is classified as likely benign based on ACMG/AMP sequence variant interpretation guidelines (Richards et al. 2015 PMID: 25741868, with internal and published modifications).